The following is an entry in ClinVar:

NM_000435.3(NOTCH3):c.3601C>T (p.Arg1201Cys)

Gene: NOTCH3 (notch receptor 3; minus strand). Cytogenetic location: 19p13.12.
Variant type: single nucleotide variant.
Coding change: c.3601C>T on transcript NM_000435.3 (MANE Select); coding-DNA position 3601, C replaced by T.
Protein change: p.Arg1201Cys; replaces arginine 1201 with cysteine.
Molecular consequence: missense variant.
Genome position (GRCh38, 1-based): chr19:15,179,142, G>A on the plus strand (C>T on the coding strand, the complement: NOTCH3 is on the minus strand). VCF-style: chr19-15179142-G-A. GRCh37 (hg19) VCF-style: chr19-15289953-G-A.
Other names: p.Arg1201Cys; short protein forms R1201C.
Identifiers: ClinVar variation 4542319 (VCV004542319.2).
Genomic context (GRCh38, chr19:15,179,142, plus strand): 5'-CCCGGGTGTGTGCCGCGTGGCAGGCACCTGAGCGACACTCATTGATGTCTGCCTCGCAGC[G>A]CAAACCAGTGTATCCTGGGGGACAGGTGCAGCGGAAACCACCCACCAGGTCCACGCAGGT-3'
Protein context (NP_000426.2, residues 1191-1211): CTCPPGYTGL[Arg1201Cys]CEADINECRS

ClinVar aggregate classification (germline): Uncertain significance. Review status: criteria provided, multiple submitters, no conflicts (2 of 4 stars). 2 submissions from 2 submitters: Uncertain significance (2). Last evaluated 2025-01-31.

gnomAD v4.1: 74 of 1,614,018 alleles (0.0046%); highest among the groups gnomAD compares: Middle Eastern, 0.016%; no homozygotes.

Submissions (2):

Mayo Clinic Laboratories, Mayo Clinic
Classification: Uncertain significance. Last evaluated: 2025-01-31. Review status: criteria provided, single submitter. Criteria: ACMG Guidelines, 2015. Collection method: clinical testing. Allele origin: germline. Observed: 1 variant allele.
Comment: PP2, PM1, PM2_supporting

Blueprint Genetics
Classification: Uncertain significance. Last evaluated: 2024-04-18. Review status: criteria provided, single submitter. Criteria: ACMG Guidelines, 2015. Collection method: clinical testing. Allele origin: germline.

Literature cited by the submitters: PubMed 27844030 (cited by Mayo Clinic Laboratories, Mayo Clinic); PubMed 32277177 (cited by Mayo Clinic Laboratories, Mayo Clinic); PubMed 36044383 (cited by Mayo Clinic Laboratories, Mayo Clinic); PubMed 36221938 (cited by Mayo Clinic Laboratories, Mayo Clinic); PubMed 37479695 (cited by Mayo Clinic Laboratories, Mayo Clinic).